The following is an entry in ClinVar:

ClinVar aggregate classification (germline): Uncertain significance. Review status: criteria provided, multiple submitters, no conflicts (2 of 4 stars). 2 submissions from 2 submitters: Uncertain significance (2). Last evaluated 2018-08-06.

Conditions:
Congenital bile acid synthesis defect 3. Identifiers: Orphanet 79302, MedGen C3151147, MONDO:0013439, OMIM 613812.

Allele frequency attached by ClinVar (database versions not stated): gnomAD exomes below 0.00001 and 0.00002; gnomAD 0.00002; TOPMed 0.00003.
gnomAD v4.1: 7 of 1,486,806 alleles (0.00047%); highest among the groups gnomAD compares: Admixed American, 0.0046%; no homozygotes.

Submissions (2):

Baylor Genetics
Classification: Uncertain significance for Congenital bile acid synthesis defect 3. Last evaluated: 2018-08-06. Review status: criteria provided, single submitter. Criteria: ACMG Guidelines, 2015. Collection method: clinical testing. Allele origin: maternal. Affected: yes.
Comment: This variant was determined to be of uncertain significance according to ACMG Guidelines, 2015 [PMID:25741868].

Eurofins Ntd Llc (ga)
Classification: Uncertain significance. Last evaluated: 2018-07-24. Review status: criteria provided, single submitter. Criteria: EGL ClinVar v180209 classification definitions. Collection method: clinical testing. Allele origin: germline. Observed: 1 variant allele, 1 heterozygote.

NM_004820.5(CYP7B1):c.17C>G (p.Ser6Cys)

Genes: CYP7B1 (cytochrome P450 family 7 subfamily B member 1; minus strand), LOC130000507 (ATAC-STARR-seq lymphoblastoid silent region 19243; plus strand). Cytogenetic location: 8q12.3.
Variant type: single nucleotide variant.
Coding change: c.17C>G on transcript NM_004820.5 (MANE Select); coding-DNA position 17, C replaced by G.
Protein change: p.Ser6Cys; replaces serine 6 with cysteine.
Molecular consequence: missense variant.
Genome position (GRCh38, 1-based): chr8:64,798,571, G>C on the plus strand (C>G on the coding strand, the complement: CYP7B1 is on the minus strand). VCF-style: chr8-64798571-G-C. GRCh37 (hg19) VCF-style: chr8-65711128-G-C.
Other names: c.17C>G, p.Ser6Cys (NM_001324112.2); short protein forms S6C.
Identifiers: ClinVar variation 598140 (VCV000598140.6), dbSNP rs1044499833, ClinGen allele CA179061882.